The following is an entry in ClinVar:

NM_003922.4(HERC1):c.4429A>G (p.Thr1477Ala)

Gene: HERC1 (HECT and RLD domain containing E3 ubiquitin protein ligase family member 1; minus strand). Cytogenetic location: 15q22.31.
Variant type: single nucleotide variant.
Coding change: c.4429A>G on transcript NM_003922.4 (MANE Select); coding-DNA position 4429, A replaced by G.
Protein change: p.Thr1477Ala; replaces threonine 1477 with alanine.
Molecular consequence: missense variant.
Genome position (GRCh38, 1-based): chr15:63,713,387, T>C on the plus strand (A>G on the coding strand, the complement: HERC1 is on the minus strand). VCF-style: chr15-63713387-T-C. GRCh37 (hg19) VCF-style: chr15-64005586-T-C.
Other names: short protein forms T1477A.
Identifiers: ClinVar variation 1934886 (VCV001934886.4), dbSNP rs773874311, ClinGen allele CA7605813.
Genomic context (GRCh38, chr15:63,713,387, plus strand): 5'-TGTTTTCAGTGTCTAGTCAGTCCCACCTGGTCATAAGTCCACCCCCTTCAGAGGCACTTG[T>C]TGAAGGTTGCTGCAACTGTCCTTCTTCTCTTCGCTTCTGAAGCTCATCTATCACAGGACT-3'
Protein context (NP_003913.3, residues 1467-1487): REEGQLQQPS[Thr1477Ala]SASEGGGLMT

ClinVar aggregate classification (germline): Uncertain significance (1 of 4 stars; one submission).

Allele frequency attached by ClinVar (database versions not stated): TOPMed 0.00001; ExAC 0.00002; gnomAD exomes 0.00003.
gnomAD v4.1: 45 of 1,614,016 alleles (0.0028%); highest among the groups gnomAD compares: Non-Finnish European, 0.0036%; no homozygotes.

Submission:

Labcorp Genetics (formerly Invitae), Labcorp
Classification: Uncertain significance. Last evaluated: 2022-10-24. Review status: criteria provided, single submitter. Criteria: Invitae Variant Classification Sherloc (09022015). Collection method: clinical testing. Allele origin: germline.
Comment: This sequence change replaces threonine, which is neutral and polar, with alanine, which is neutral and non-polar, at codon 1477 of the HERC1 protein (p.Thr1477Ala). This variant is present in population databases (rs773874311, gnomAD 0.005%). This variant has not been reported in the literature in individuals affected with HERC1-related conditions. Advanced modeling of protein sequence and biophysical properties (such as structural, functional, and spatial information, amino acid conservation, physicochemical variation, residue mobility, and thermodynamic stability) performed at Invitae indicates that this missense variant is not expected to disrupt HERC1 protein function. In summary, the available evidence is currently insufficient to determine the role of this variant in disease. Therefore, it has been classified as a Variant of Uncertain Significance.